The following is an entry in ClinVar:

ClinVar aggregate classification (germline): Uncertain significance (1 of 4 stars; one submission).

Submission:

GeneDx
Classification: Uncertain significance. Last evaluated: 2025-05-20. Review status: criteria provided, single submitter. Criteria: GeneDx Variant Classification Process June 2021. Collection method: clinical testing. Allele origin: germline. Affected: yes.
Comment: Not observed at significant frequency in large population cohorts (gnomAD); In silico analysis suggests that this missense variant does not alter protein structure/function; Has not been previously published as pathogenic or benign to our knowledge

NM_005219.5(DIAPH1):c.3760A>C (p.Ser1254Arg)

Gene: DIAPH1 (diaphanous related formin 1; minus strand). Cytogenetic location: 5q31.3.
Variant type: single nucleotide variant.
Coding change: c.3760A>C on transcript NM_005219.5 (MANE Select); coding-DNA position 3760, A replaced by C.
Protein change: p.Ser1254Arg; replaces serine 1254 with arginine.
Molecular consequence: missense variant. On other transcripts: 3 prime UTR variant (1).
Genome position (GRCh38, 1-based): chr5:141,516,910, T>G on the plus strand (A>C on the coding strand, the complement: DIAPH1 is on the minus strand). VCF-style: chr5-141516910-T-G. GRCh37 (hg19) VCF-style: chr5-140896477-T-G.
Other names: c.3733A>C, p.Ser1245Arg (NM_001079812.3); c.*60A>C (NM_001314007.2); short protein forms S1245R, S1254R.
Identifiers: ClinVar variation 4530902 (VCV004530902.1).
Genomic context (GRCh38, chr5:141,516,910, plus strand): 5'-ATTAGCTTGCACGGCCAACCAACTCCTTGGCTTCCTCAAGGATTGTGGGGAATGTCTCAC[T>G]GTTCTTGGACACCTTGGCAGGAACAGCAGCCATGGCATCATCCTTGGTCAGCTCCGAAGC-3'
Protein context (NP_005210.3, residues 1244-1264): AAVPAKVSKN[Ser1254Arg]ETFPTILEEA